The following is an entry in ClinVar:

ClinVar aggregate classification (germline): Likely pathogenic (1 of 4 stars; one submission).

Conditions:
Inborn genetic diseases. Identifiers: MedGen C0950123, MeSH D030342.

Submission:

Ambry Genetics
Classification: Likely pathogenic for Inborn genetic diseases. Last evaluated: 2023-03-23. Review status: criteria provided, single submitter. Criteria: Ambry Variant Classification Scheme 2023. Collection method: clinical testing. Allele origin: germline.
Comment: The c.4037A>G (p.D1346G) alteration is located in exon 16 (coding exon 16) of the CIC gene. This alteration results from an A to G substitution at nucleotide position 4037, causing the aspartic acid (D) at amino acid position 1346 to be replaced by a glycine (G). This variant was not reported in population-based cohorts in the Genome Aggregation Database (gnomAD). This amino acid position is well conserved in available vertebrate species. This alteration is predicted to be deleterious by in silico analysis. Based on the available evidence, this alteration is classified as likely pathogenic.

NM_001386298.1(CIC):c.6764A>G (p.Asp2255Gly)

Gene: CIC (capicua transcriptional repressor; plus strand). Cytogenetic location: 19q13.2.
Variant type: single nucleotide variant.
Coding change: c.6764A>G on transcript NM_001386298.1 (MANE Select); coding-DNA position 6764, A replaced by G.
Protein change: p.Asp2255Gly; replaces aspartic acid 2255 with glycine.
Molecular consequence: missense variant.
Genome position (GRCh38, 1-based): chr19:42,293,833, A>G. VCF-style: chr19-42293833-A-G. GRCh37 (hg19) VCF-style: chr19-42797985-A-G.
Other names: c.6764A>G, p.Asp2255Gly (NM_001304815.2, NM_001379482.1, NM_001379483.1); c.6761A>G, p.Asp2254Gly (NM_001379480.1); c.4037A>G, p.Asp1346Gly (NM_001379484.1, NM_001379485.1, NM_015125.5); short protein forms D1346G, D2254G, D2255G.
Identifiers: ClinVar variation 2490130 (VCV002490130.3), dbSNP rs2514069098, ClinGen allele CA406120556.